The following is an entry in ClinVar:

NM_182961.4(SYNE1):c.20975T>A (p.Phe6992Tyr)

Gene: SYNE1 (spectrin repeat containing nuclear envelope protein 1; minus strand). Cytogenetic location: 6q25.2.
Variant type: single nucleotide variant.
Coding change: c.20975T>A on transcript NM_182961.4 (MANE Select); coding-DNA position 20975, T replaced by A.
Protein change: p.Phe6992Tyr; replaces phenylalanine 6992 with tyrosine.
Molecular consequence: missense variant.
Genome position (GRCh38, 1-based): chr6:152,231,455, A>T on the plus strand (T>A on the coding strand, the complement: SYNE1 is on the minus strand). VCF-style: chr6-152231455-A-T. GRCh37 (hg19) VCF-style: chr6-152552590-A-T.
Other names: c.20762T>A, p.Phe6921Tyr (NM_033071.5); short protein forms F6992Y, F6921Y.
Identifiers: ClinVar variation 939038 (VCV000939038.9), dbSNP rs2082727720, ClinGen allele CA366114598.

ClinVar aggregate classification (germline): Uncertain significance (1 of 4 stars; one submission).

Conditions:
Emery-Dreifuss muscular dystrophy 4, autosomal dominant (EDMD4). Also called: EMERY-DREIFUSS MUSCULAR DYSTROPHY 4 WITH VARIABLE FEATURES. Identifiers: Orphanet 261, MedGen C2751807, MONDO:0013071, OMIM 612998.
Autosomal recessive ataxia, Beauce type. Also called: Spinocerebellar ataxia, autosomal recessive 8; ATAXIA, RECESSIVE, OF BEAUCE; SYNE1-Related Autosomal Recessive Cerebellar Ataxia; SYNE1 Deficiency. Identifiers: Orphanet 88644, MedGen C1853116, MONDO:0012549, OMIM 610743.

Submission:

Labcorp Genetics (formerly Invitae), Labcorp
Classification: Uncertain significance for Emery-Dreifuss muscular dystrophy 4, autosomal dominant; Autosomal recessive ataxia, Beauce type. Last evaluated: 2023-03-11. Review status: criteria provided, single submitter. Criteria: Invitae Variant Classification Sherloc (09022015). Collection method: clinical testing. Allele origin: germline.
Comment: This sequence change replaces phenylalanine, which is neutral and non-polar, with tyrosine, which is neutral and polar, at codon 6921 of the SYNE1 protein (p.Phe6921Tyr). In summary, the available evidence is currently insufficient to determine the role of this variant in disease. Therefore, it has been classified as a Variant of Uncertain Significance. An algorithm developed to predict the effect of missense changes on protein structure and function (PolyPhen-2) suggests that this variant is likely to be disruptive. ClinVar contains an entry for this variant (Variation ID: 939038). This variant has not been reported in the literature in individuals affected with SYNE1-related conditions. This variant is not present in population databases (gnomAD no frequency).